The following is an entry in ClinVar:

NM_194293.4(XIRP1):c.691A>C (p.Thr231Pro)

Gene: XIRP1 (xin actin binding repeat containing 1; minus strand). Cytogenetic location: 3p22.2.
Variant type: single nucleotide variant.
Coding change: c.691A>C on transcript NM_194293.4 (MANE Select); coding-DNA position 691, A replaced by C.
Protein change: p.Thr231Pro; replaces threonine 231 with proline.
Molecular consequence: missense variant. On other transcripts: intron variant (1).
Genome position (GRCh38, 1-based): chr3:39,188,755, T>G on the plus strand (A>C on the coding strand, the complement: XIRP1 is on the minus strand). VCF-style: chr3-39188755-T-G. GRCh37 (hg19) VCF-style: chr3-39230246-T-G.
Other names: c.691A>C, p.Thr231Pro (NM_001198621.4); c.-167-3094A>C (NM_001351377.2); short protein forms T231P.
Identifiers: ClinVar variation 4829675 (VCV004829675.1).

ClinVar aggregate classification (germline): Uncertain significance (1 of 4 stars; one submission).

Submission:

Ambry Genetics
Classification: Uncertain significance. Last evaluated: 2025-12-31. Review status: criteria provided, single submitter. Criteria: Ambry Variant Classification Scheme 2023. Collection method: clinical testing. Allele origin: germline.
Comment: The c.691A>C (p.T231P) alteration is located in exon 2 (coding exon 1) of the XIRP1 gene. This alteration results from a A to C substitution at nucleotide position 691, causing the threonine (T) at amino acid position 231 to be replaced by a proline (P). Based on data from gnomAD, the C allele has an overall frequency of 0.002% (4/250790) total alleles studied. The highest observed frequency was 0.012% (4/34582) of Latino alleles. Based on insufficient or conflicting evidence, the clinical significance of this alteration remains unclear.